The following is an entry in ClinVar:

NC_000005.9:g.(?_176618865)_(176619040_?)dup

Gene: NSD1 (nuclear receptor binding SET domain protein 1; plus strand). Cytogenetic location: 5q35.3.
Variant type: Duplication.
Identifiers: ClinVar variation 1524122 (VCV001524122.5).

ClinVar aggregate classification (germline): Likely pathogenic (1 of 4 stars; one submission).

Conditions:
Sotos syndrome (SOTOS). Also called: CEREBRAL GIGANTISM; Sotos' syndrome; Distinctive facial appearance, overgrowth in childhood, and learning disabilities or delayed development; SOTOS SYNDROME 1; CHROMOSOME 5q35 DELETION SYNDROME. Identifiers: Orphanet 821, MedGen C0175695, MONDO:0019349, OMIM 117550.

Submission:

Labcorp Genetics (formerly Invitae), Labcorp
Classification: Likely pathogenic. Last evaluated: 2021-08-16. Review status: criteria provided, single submitter. Criteria: Invitae Variant Classification Sherloc (09022015). Collection method: clinical testing. Allele origin: germline.
Comment: This variant results in a copy number gain of the genomic region encompassing exon(s) 3 of the NSD1 gene. While the exact position of this variant cannot be determined from the data, sub-genic copy number gains are generally in tandem (PMID: 25640679). This variant is predicted to be out-of-frame, and may result in an absent or disrupted protein product. Loss-of-function variants in NSD1 are known to be pathogenic (PMID: 12464997, 14571271, 15942875, 16247291). A similar copy number variant has been observed in individual(s) with clinical features of Sotos syndrome (Invitae). In summary, the currently available evidence indicates that the variant is pathogenic, but additional data are needed to prove that conclusively. Therefore, this variant has been classified as Likely Pathogenic.

Literature cited by the submitters: PubMed 25640679; PubMed 12464997; PubMed 14571271; PubMed 15942875; PubMed 16247291.